The following is an entry in ClinVar:

NM_000553.6(WRN):c.2785A>G (p.Ile929Val)

Gene: WRN (WRN RecQ like helicase; plus strand). Cytogenetic location: 8p12.
Variant type: single nucleotide variant.
Coding change: c.2785A>G on transcript NM_000553.6 (MANE Select); coding-DNA position 2785, A replaced by G.
Protein change: p.Ile929Val; replaces isoleucine 929 with valine.
Molecular consequence: missense variant.
Genome position (GRCh38, 1-based): chr8:31,124,960, A>G. VCF-style: chr8-31124960-A-G. GRCh37 (hg19) VCF-style: chr8-30982476-A-G.
Other names: short protein forms I929V.
Identifiers: ClinVar variation 1022504 (VCV001022504.3), dbSNP rs1801861589, ClinGen allele CA370917731.

ClinVar aggregate classification (germline): Uncertain significance (1 of 4 stars; one submission).

Conditions:
Werner syndrome (WRN). Identifiers: Orphanet 902, MedGen C0043119, MONDO:0010196, OMIM 277700.

gnomAD v4.1: 4 of 1,613,200 alleles (0.00025%); highest among the groups gnomAD compares: Non-Finnish European, 0.00034%; no homozygotes.

Submission:

Labcorp Genetics (formerly Invitae), Labcorp
Classification: Uncertain significance for Werner syndrome. Last evaluated: 2024-04-22. Review status: criteria provided, single submitter. Criteria: Invitae Variant Classification Sherloc (09022015). Collection method: clinical testing. Allele origin: germline.
Comment: This sequence change replaces isoleucine, which is neutral and non-polar, with valine, which is neutral and non-polar, at codon 929 of the WRN protein (p.Ile929Val). This variant is not present in population databases (gnomAD no frequency). This variant has not been reported in the literature in individuals affected with WRN-related conditions. ClinVar contains an entry for this variant (Variation ID: 1022504). Algorithms developed to predict the effect of missense changes on protein structure and function output the following: SIFT: "Not Available"; PolyPhen-2: "Benign"; Align-GVGD: "Not Available". The valine amino acid residue is found in multiple mammalian species, which suggests that this missense change does not adversely affect protein function. In summary, the available evidence is currently insufficient to determine the role of this variant in disease. Therefore, it has been classified as a Variant of Uncertain Significance.